The following is an entry in ClinVar:

NM_007175.8(ERLIN2):c.861_874dup (p.Asn292fs)

Gene: ERLIN2 (ER lipid raft associated 2; plus strand). Cytogenetic location: 8p11.23.
Variant type: Duplication.
Coding change: c.861_874dup on transcript NM_007175.8 (MANE Select); coding-DNA positions 861 to 874, 14 bases duplicated (GGCCATTGCTTCCA).
Protein change: p.Asn292fs; shifts the reading frame from asparagine 292.
Molecular consequence: frameshift variant.
Genome position (GRCh38, 1-based): chr8:37,753,956-37,753,969, GGCCATTGCTTCCA duplicated; duplicating any 14 consecutive bases within chr8:37,753,955-37,753,969 gives the same sequence; the c. name uses the placement nearest the transcript's 3' end. VCF-style (leftmost placement, unchanged base first): chr8-37753954-A-AAGGCCATTGCTTCC. GRCh37 (hg19) VCF-style: chr8-37611472-A-AAGGCCATTGCTTCC.
Other names: c.861_874dup, p.Asn292fs (NM_001362878.2); short protein forms N292fs.
Identifiers: ClinVar variation 818023 (VCV000818023.1), dbSNP rs1585919102, ClinGen allele CA915945652.

ClinVar aggregate classification (germline): Likely pathogenic (1 of 4 stars; one submission).

Submission:

GeneDx
Classification: Likely pathogenic. Last evaluated: 2019-03-05. Review status: criteria provided, single submitter. Criteria: GeneDx Variant Classification (06012015). Collection method: clinical testing. Allele origin: germline. Affected: yes.
Comment: The c.861_874dup14 variant in the ERLIN2 gene has not been reported previously as a pathogenic variant nor as a benign variant, to our knowledge. The c.861_874dup14 variant causes a frameshift starting with codon Asparagine 292, changes this amino acid to an Arginine residue, and creates a premature Stop codon at position 26 of the new reading frame, denoted p.Asn292ArgfsX26. This frameshift variant is predicted to result in protein truncation as the last 48 amino acids are lost and replaced with 25 incorrect amino acids, although loss-of-function variants have not been reported downstream of this position in the protein. The c.861_874dup14 variant is not observed in large population cohorts (Lek et al., 2016). We interpret c.861_874dup14 as a likely pathogenic variant.